The following is an entry in ClinVar:

ClinVar aggregate classification (germline): Uncertain significance (1 of 4 stars; one submission).

Conditions:
TH-deficient dopa-responsive dystonia. Also called: Tyrosine Hydroxylase-Deficient Dopa-Responsive Dystonia; Segawa syndrome, autosomal recessive; DYT-TH. Identifiers: Orphanet 101150, MedGen C2673535, MONDO:0011551, OMIM 605407.

Allele frequency attached by ClinVar (database versions not stated): gnomAD exomes below 0.00001; ExAC 0.00001; gnomAD 0.00001.
gnomAD v4.1: 3 of 1,612,468 alleles (0.00019%); highest among the groups gnomAD compares: South Asian, 0.0033%; no homozygotes.

Submission:

Labcorp Genetics (formerly Invitae), Labcorp
Classification: Uncertain significance for TH-deficient dopa-responsive dystonia. Last evaluated: 2022-11-08. Review status: criteria provided, single submitter. Criteria: Invitae Variant Classification Sherloc (09022015). Collection method: clinical testing. Allele origin: germline.
Comment: In summary, the available evidence is currently insufficient to determine the role of this variant in disease. Therefore, it has been classified as a Variant of Uncertain Significance. Variants that disrupt the consensus splice site are a relatively common cause of aberrant splicing (PMID: 17576681, 9536098). Algorithms developed to predict the effect of sequence changes on RNA splicing suggest that this variant may create or strengthen a splice site. This variant has not been reported in the literature in individuals affected with TH-related conditions. This variant is present in population databases (rs774136281, gnomAD 0.003%). This sequence change falls in intron 5 of the TH gene. It does not directly change the encoded amino acid sequence of the TH protein. It affects a nucleotide within the consensus splice site.

Literature cited by the submitters: PubMed 17576681; PubMed 9536098.

NM_000360.4(TH):c.576+6T>C

Gene: TH (tyrosine hydroxylase; minus strand). Cytogenetic location: 11p15.5.
Variant type: single nucleotide variant.
Coding change: c.576+6T>C on transcript NM_000360.4 (MANE Select); 6 bases into the intron after coding-DNA position 576, T replaced by C.
Molecular consequence: intron variant.
Genome position (GRCh38, 1-based): chr11:2,168,085, A>G on the plus strand (T>C on the coding strand, the complement: TH is on the minus strand). VCF-style: chr11-2168085-A-G. GRCh37 (hg19) VCF-style: chr11-2189315-A-G.
Other names: c.657+6T>C (NM_199293.3); c.669+6T>C (NM_199292.3).
Identifiers: ClinVar variation 2172702 (VCV002172702.4), dbSNP rs774136281, ClinGen allele CA5818610.